The following is an entry in ClinVar:

NM_004523.4(KIF11):c.1217+14_1217+283del

Gene: KIF11 (kinesin family member 11; plus strand). Cytogenetic location: 10q23.33.
Variant type: Deletion.
Coding change: c.1217+14_1217+283del on transcript NM_004523.4 (MANE Select); bases 14 to 283 of the intron after coding-DNA position 1217, 270 bases deleted.
Molecular consequence: intron variant.
Genome position (GRCh38, 1-based): chr10:92,621,487-92,621,756, 270 bases deleted. GRCh37 (hg19): chr10:94,381,244-94,381,513.
Identifiers: ClinVar variation 930506 (VCV000930506.11), dbSNP rs1844616530, ClinGen allele CA1139661626.

ClinVar aggregate classification (germline): Conflicting classifications of pathogenicity. Review status: criteria provided, conflicting classifications (1 of 4 stars). 2 submissions from 2 submitters: Uncertain significance (1); Likely benign (1). Last evaluated 2025-09-04.

Conditions:
Microcephaly with or without chorioretinopathy, lymphedema, or impaired intellectual development. Also called: MICROCEPHALY AND CHORIORETINOPATHY WITH OR WITHOUT MENTAL RETARDATION, AUTOSOMAL DOMINANT; MICROCEPHALY, LYMPHEDEMA, CHORIORETINAL DYSPLASIA SYNDROME; Microcephaly lymphedema chorioretinal dysplasia; Microcephaly with or without chorioretinopathy, lymphedema, or mental retardation; Microcephaly with or without chorioretinopathy, lymphedema, or intellectual disability. Identifiers: Orphanet 2526, MedGen C1835265, MONDO:0007918, OMIM 152950.

Submissions (2):

Labcorp Genetics (formerly Invitae), Labcorp
Classification: Likely benign. Last evaluated: 2025-09-04. Review status: criteria provided, single submitter. Criteria: Invitae Variant Classification Sherloc (09022015). Collection method: clinical testing. Allele origin: germline.

Centre for Mendelian Genomics, University Medical Centre Ljubljana
Classification: Uncertain significance for Microcephaly with or without chorioretinopathy, lymphedema, or impaired intellectual development. Last evaluated: 2019-09-05. Review status: criteria provided, single submitter. Criteria: ACMG Guidelines, 2015. Collection method: clinical testing. Allele origin: unknown. Affected: yes.
Comment: This variant was classified as: Uncertain significance. The available evidence on this variant's pathogenicity is insufficient or conflicting. The following ACMG criteria were applied in classifying this variant: PM2,BS2.